The following is an entry in ClinVar:

ClinVar aggregate classification (germline): Benign/Likely benign. Review status: criteria provided, multiple submitters, no conflicts (2 of 4 stars). 7 submissions from 7 submitters: Benign (5); Likely benign (2). Last evaluated 2026-08-01.

Conditions:
Hereditary spastic paraplegia. Also called: Familial spastic paraparesis. Identifiers: Orphanet 685, MedGen C0037773, MONDO:0019064. Disease mechanism: loss of function.
Spastic paraplegia. Identifiers: MedGen C0037772, HP:0001258.

Allele frequency attached by ClinVar (database versions not stated): 1000 Genomes Project 0.00220; 1000 Genomes Project 30x 0.00234; TOPMed 0.00368; gnomAD exomes 0.00415 and 0.00668; gnomAD 0.00432 and 0.00450; ExAC 0.00449; ESP Exome Variant Server 0.00484.
gnomAD v4.1: 10,250 of 1,611,872 alleles (0.64%); highest among the groups gnomAD compares: Non-Finnish European, 0.79%; 43 homozygotes.

Submissions (7):

CeGaT Center for Human Genetics Tuebingen
Classification: Likely benign. Last evaluated: 2026-08-01. Review status: criteria provided, single submitter. Criteria: CeGaT Center For Human Genetics Tuebingen Variant Classification Criteria Version 2. Collection method: clinical testing. Allele origin: germline. Affected: yes. Observed: 21 variant alleles.
Comment: RTN2: BP4, BP7, BS2

Labcorp Genetics (formerly Invitae), Labcorp
Classification: Benign for Spastic paraplegia. Last evaluated: 2026-02-01. Review status: criteria provided, single submitter. Criteria: Invitae Variant Classification Sherloc (09022015). Collection method: clinical testing. Allele origin: germline.

Blueprint Genetics
Classification: Likely benign. Last evaluated: 2024-11-25. Review status: criteria provided, single submitter. Criteria: ACMG Guidelines, 2015. Collection method: clinical testing. Allele origin: germline.

Mayo Clinic Laboratories, Mayo Clinic
Classification: Benign. Last evaluated: 2022-11-28. Review status: criteria provided, single submitter. Criteria: ACMG Guidelines, 2015. Collection method: clinical testing. Allele origin: germline. Observed: 23 variant alleles.
Comment: BS1, BS2, BP4, BP7

Genome Diagnostics Laboratory, The Hospital for Sick Children
Classification: Benign for Hereditary spastic paraplegia. Last evaluated: 2021-04-18. Review status: criteria provided, single submitter. Criteria: ACMG Guidelines, 2015. Collection method: clinical testing. Allele origin: germline. Affected: yes.

Athena Diagnostics
Classification: Benign. Last evaluated: 2018-08-24. Review status: criteria provided, single submitter. Criteria: Athena Diagnostics Criteria. Collection method: clinical testing. Allele origin: germline.

GeneDx
Classification: Benign. Last evaluated: 2016-07-06. Review status: criteria provided, single submitter. Criteria: GeneDx Variant Classification (06012015). Collection method: clinical testing. Allele origin: germline. Affected: yes.
Comment: This variant is considered likely benign or benign based on one or more of the following criteria: it is a conservative change, it occurs at a poorly conserved position in the protein, it is predicted to be benign by multiple in silico algorithms, and/or has population frequency not consistent with disease.

NM_005619.5(RTN2):c.351A>G (p.Gln117=)

Genes: OPA3-RTN2 (OPA3-RTN2 readthrough; minus strand), RTN2 (reticulon 2; minus strand). Cytogenetic location: 19q13.32.
Variant type: single nucleotide variant.
Coding change: c.351A>G on transcript NM_005619.5 (MANE Select); coding-DNA position 351, A replaced by G.
Protein change: p.Gln117=; no amino-acid change (glutamine 117 retained).
Molecular consequence: synonymous variant.
Genome position (GRCh38, 1-based): chr19:45,494,734, T>C on the plus strand (A>G on the coding strand, the complement: RTN2 is on the minus strand). VCF-style: chr19-45494734-T-C. GRCh37 (hg19) VCF-style: chr19-45997992-T-C.
Other names: p.Gln117=; c.351A>G, p.Gln117= (NM_206900.3).
Identifiers: ClinVar variation 240193 (VCV000240193.40), dbSNP rs144028452, ClinGen allele CA9516282.